The following is an entry in ClinVar:

NM_176822.4(NLRP14):c.289+28G>A

Gene: NLRP14 (NLR family pyrin domain containing 14; plus strand). Cytogenetic location: 11p15.4.
Variant type: single nucleotide variant.
Coding change: c.289+28G>A on transcript NM_176822.4 (MANE Select); 28 bases into the intron after coding-DNA position 289, G replaced by A.
Molecular consequence: intron variant.
Genome position (GRCh38, 1-based): chr11:7,038,903, G>A. VCF-style: chr11-7038903-G-A. GRCh37 (hg19) VCF-style: chr11-7060134-G-A.
Identifiers: ClinVar variation 103348 (VCV000103348.2), dbSNP rs199475880, ClinGen allele CA230453.

ClinVar aggregate classification (germline): not provided (0 of 4 stars; one submission).

Allele frequency attached by ClinVar (database versions not stated): gnomAD exomes 0.00014; 1000 Genomes Project 30x 0.00016; ExAC 0.00016; 1000 Genomes Project 0.00020; gnomAD 0.00060 and 0.00067; TOPMed 0.00065; ESP Exome Variant Server 0.00085.
gnomAD v4.1: 179 of 1,609,316 alleles (0.011%); highest among the groups gnomAD compares: African/African-American, 0.23%; no homozygotes.

Submission:

Human Evolutionary Genetics, Institut Pasteur
No classification provided. Review status: no classification provided. Collection method: not provided. Allele origin: germline.
ClinVar note: Converted during submission from untested to not provided.